The following is an entry in ClinVar:

NM_000091.5(COL4A3):c.367C>T (p.Pro123Ser)

Genes: COL4A3 (collagen type IV alpha 3 chain; plus strand), MFF-DT (MFF divergent transcript; minus strand). Cytogenetic location: 2q36.3.
Variant type: single nucleotide variant.
Coding change: c.367C>T on transcript NM_000091.5 (MANE Select); coding-DNA position 367, C replaced by T.
Protein change: p.Pro123Ser; replaces proline 123 with serine.
Molecular consequence: missense variant.
Genome position (GRCh38, 1-based): chr2:227,245,996, C>T. VCF-style: chr2-227245996-C-T. GRCh37 (hg19) VCF-style: chr2-228110712-C-T.
Other names: short protein forms P123S.
Identifiers: ClinVar variation 4997397 (VCV004997397.1).

ClinVar aggregate classification (germline): Uncertain significance (1 of 4 stars; one submission).

Conditions:
COL4A3-related disorder. Also called: COL4A3-related condition; COL4A3-Related Disorders.

Submission:

PreventionGenetics, part of Exact Sciences
Classification: Uncertain significance for COL4A3-related condition. Last evaluated: 2025-02-07. Review status: criteria provided, single submitter. Criteria: ACMG Guidelines, 2015. Collection method: clinical testing. Allele origin: germline.
Comment: The COL4A3 c.367C>T variant is predicted to result in the amino acid substitution p.Pro123Ser. To our knowledge, this variant has not been reported in the literature or in a large population database (gnomAD), indicating this variant is rare. At this time, the clinical significance of this variant is uncertain due to the absence of conclusive functional and genetic evidence.